The following is an entry in ClinVar:

NM_000059.4(BRCA2):c.6202A>G (p.Ile2068Val)

Gene: BRCA2 (BRCA2 DNA repair associated; plus strand). Cytogenetic location: 13q13.1.
Variant type: single nucleotide variant.
Coding change: c.6202A>G on transcript NM_000059.4 (MANE Select); coding-DNA position 6202, A replaced by G.
Protein change: p.Ile2068Val; replaces isoleucine 2068 with valine.
Molecular consequence: missense variant.
Genome position (GRCh38, 1-based): chr13:32,340,557, A>G. VCF-style: chr13-32340557-A-G. GRCh37 (hg19) VCF-style: chr13-32914694-A-G.
Other names: short protein forms I2068V.
Identifiers: ClinVar variation 801117 (VCV000801117.8), dbSNP rs755523944, ClinGen allele CA6940933.

ClinVar aggregate classification (germline): Conflicting classifications of pathogenicity. Review status: criteria provided, conflicting classifications (1 of 4 stars). 3 submissions from 3 submitters: Uncertain significance (2); Likely benign (1). Last evaluated 2024-10-02.

Conditions:
Hereditary breast ovarian cancer syndrome. Also called: BRCA1- and BRCA2-Associated Hereditary Breast and Ovarian Cancer; Hereditary breast and ovarian cancer syndrome; Hereditary breast and/or ovarian cancer syndrome; Hereditary breast and ovarian cancer; Hereditary breast and ovarian cancer syndrome (HBOC); Breast and ovarian cancer. Identifiers: Orphanet 145, MedGen C0677776, MeSH D061325, MONDO:0003582. Disease mechanism: loss of function.
Hereditary cancer-predisposing syndrome. Also called: Tumor predisposition; Neoplastic Syndromes, Hereditary; Hereditary Cancer Syndrome; Hereditary neoplastic syndrome. Identifiers: Orphanet 140162, MedGen C0027672, MeSH D009386, MONDO:0015356.

Allele frequency attached by ClinVar (database versions not stated): gnomAD exomes below 0.00001; ExAC 0.00001.

Submissions (3):

Labcorp Genetics (formerly Invitae), Labcorp
Classification: Uncertain significance for Hereditary breast ovarian cancer syndrome. Last evaluated: 2024-10-02. Review status: criteria provided, single submitter. Criteria: Invitae Variant Classification Sherloc (09022015). Collection method: clinical testing. Allele origin: germline.
Comment: This sequence change replaces isoleucine, which is neutral and non-polar, with valine, which is neutral and non-polar, at codon 2068 of the BRCA2 protein (p.Ile2068Val). This variant is present in population databases (rs755523944, gnomAD 0.003%). This variant has not been reported in the literature in individuals affected with BRCA2-related conditions. ClinVar contains an entry for this variant (Variation ID: 801117). Invitae Evidence Modeling of protein sequence and biophysical properties (such as structural, functional, and spatial information, amino acid conservation, physicochemical variation, residue mobility, and thermodynamic stability) indicates that this missense variant is not expected to disrupt BRCA2 protein function with a negative predictive value of 95%. In summary, the available evidence is currently insufficient to determine the role of this variant in disease. Therefore, it has been classified as a Variant of Uncertain Significance.

University of Washington Department of Laboratory Medicine, University of Washington
Classification: Likely benign for Hereditary cancer-predisposing syndrome. Last evaluated: 2023-03-23. Review status: criteria provided, single submitter. Criteria: Dines et al. (Genet Med. 2020). Collection method: curation. Allele origin: germline.
Comment: Missense variant in a coldspot region where missense variants are very unlikely to be pathogenic (PMID:31911673).

BRCA2 exon 11 coldspot. Reclassification based on statistical prior probability.

Quest Diagnostics Nichols Institute San Juan Capistrano
Classification: Uncertain significance. Last evaluated: 2019-01-17. Review status: criteria provided, single submitter. Criteria: Quest Diagnostics criteria. Collection method: clinical testing. Allele origin: germline.